The following is an entry in ClinVar:

ClinVar aggregate classification (germline): Uncertain significance (1 of 4 stars; one submission).

Conditions:
Alpha-actinopathy. Also called: Actinopathy. Identifiers: MedGen CN295279, MONDO:0100084.

Submission:

Illumina Laboratory Services, Illumina
Classification: Uncertain significance for Alpha-actinopathy. Last evaluated: 2023-08-10. Review status: criteria provided, single submitter. Criteria: ICSLVariantClassificationCriteria RUGD 01 April 2020. Collection method: clinical testing. Allele origin: unknown.
Comment: The ACTA1 c.661G>T, p.(Val221Leu) missense variant has not, to our knowledge, been reported in the peer-reviewed literature. This variant is not observed in version 2.1.1 or version 3.1.2 of the Genome Aggregation Database. Multiple lines of computational evidence suggest the variant may impact the gene or gene product. This variant was identified in trans with a likely pathogenic variant. Based on the available evidence, the c.661G>T, p.(Val221Leu) variant is classified as a variant of uncertain significance for alpha-actinopathy.

NM_001100.4(ACTA1):c.661G>T (p.Val221Leu)

Gene: ACTA1 (actin alpha 1, skeletal muscle; minus strand). Cytogenetic location: 1q42.13.
Variant type: single nucleotide variant.
Coding change: c.661G>T on transcript NM_001100.4 (MANE Select); coding-DNA position 661, G replaced by T.
Protein change: p.Val221Leu; replaces valine 221 with leucine.
Molecular consequence: missense variant.
Genome position (GRCh38, 1-based): chr1:229,432,141, C>A on the plus strand (G>T on the coding strand, the complement: ACTA1 is on the minus strand). VCF-style: chr1-229432141-C-A. GRCh37 (hg19) VCF-style: chr1-229567888-C-A.
Other names: short protein forms V221L.
Identifiers: ClinVar variation 2637956 (VCV002637956.1), dbSNP rs1163052117, ClinGen allele CA345147197.